The following is an entry in ClinVar:

ClinVar aggregate classification (germline): Uncertain significance (1 of 4 stars; one submission).

Conditions:
Hereditary cancer-predisposing syndrome. Also called: Neoplastic Syndromes, Hereditary; Tumor predisposition; Hereditary Cancer Syndrome; Hereditary neoplastic syndrome. Identifiers: Orphanet 140162, MedGen C0027672, MeSH D009386, MONDO:0015356.

Submission:

Ambry Genetics
Classification: Uncertain significance for Hereditary cancer-predisposing syndrome. Last evaluated: 2021-08-21. Review status: criteria provided, single submitter. Criteria: Ambry Variant Classification Scheme 2023. Collection method: clinical testing. Allele origin: germline.
Comment: The p.Q242K variant (also known as c.724C>A), located in coding exon 4 of the MSH3 gene, results from a C to A substitution at nucleotide position 724. The glutamine at codon 242 is replaced by lysine, an amino acid with similar properties. This amino acid position is conserved. In addition, the in silico prediction for this alteration is inconclusive. Since supporting evidence is limited at this time, the clinical significance of this alteration remains unclear.

NM_002439.5(MSH3):c.724C>A (p.Gln242Lys)

Gene: MSH3 (mutS homolog 3; plus strand). Cytogenetic location: 5q14.1.
Variant type: single nucleotide variant.
Coding change: c.724C>A on transcript NM_002439.5 (MANE Select); coding-DNA position 724, C replaced by A.
Protein change: p.Gln242Lys; replaces glutamine 242 with lysine.
Molecular consequence: missense variant.
Genome position (GRCh38, 1-based): chr5:80,670,241, C>A. VCF-style: chr5-80670241-C-A. GRCh37 (hg19) VCF-style: chr5-79966060-C-A.
Other names: short protein forms Q242K.
Identifiers: ClinVar variation 1757900 (VCV001757900.2), dbSNP rs772046189, ClinGen allele CA360266878.
Genomic context (GRCh38, chr5:80,670,241, plus strand): 5'-AACAAACGGTCCAAAAGCATCTATACGCCGCTAGAATTACAATACATAGAAATGAAGCAG[C>A]AGCACAAAGATGCAGTTTTGTGTGTGGAATGTGGATATAAGTATAGATTCTTTGGGGAAG-3'
Protein context (NP_002430.3, residues 232-252): LELQYIEMKQ[Gln242Lys]HKDAVLCVEC